The following is an entry in ClinVar:

NM_000702.4(ATP1A2):c.660G>A (p.Ser220=)

Genes: ATP1A2 (ATPase Na+/K+ transporting subunit alpha 2; plus strand), LOC126805890 (CDK7 strongly-dependent group 2 enhancer GRCh37_chr1:160093987-160095186; plus strand). Cytogenetic location: 1q23.2.
Variant type: single nucleotide variant.
Coding change: c.660G>A on transcript NM_000702.4 (MANE Select); coding-DNA position 660, G replaced by A.
Protein change: p.Ser220=; no amino-acid change (serine 220 retained).
Molecular consequence: synonymous variant.
Genome position (GRCh38, 1-based): chr1:160,125,165, G>A. VCF-style: chr1-160125165-G-A. GRCh37 (hg19) VCF-style: chr1-160094955-G-A.
Identifiers: ClinVar variation 516526 (VCV000516526.18), dbSNP rs564452950, ClinGen allele CA1194241.
Genomic context (GRCh38, chr1:160,125,165, plus strand): 5'-GTCTGATGACTATGCACTCCTTCCTCCTCAGGTGGATAACTCATCCTTAACAGGAGAGTC[G>A]GAGCCCCAGACCCGCTCCCCCGAGTTCACCCATGAGAACCCCCTGGAGACCCGCAATATC-3'
Protein context (NP_000693.1, residues 210-230): KVDNSSLTGE[Ser220=]EPQTRSPEFT

ClinVar aggregate classification (germline): Benign/Likely benign. Review status: criteria provided, multiple submitters, no conflicts (2 of 4 stars). 8 submissions from 5 submitters: Benign (5); Likely benign (3). Last evaluated 2025-12-01.

Conditions:
Inborn genetic diseases. Identifiers: MedGen C0950123, MeSH D030342.
Migraine, familial hemiplegic, 2. Identifiers: Orphanet 569, MedGen C1865322, MONDO:0011232, OMIM 602481.
Alternating hemiplegia of childhood 1 (AHC1). Identifiers: Orphanet 2131, MedGen C3549447, MONDO:0007087, OMIM 104290.
Developmental and epileptic encephalopathy 98. Identifiers: MedGen C5562017, MONDO:0030472, OMIM 619605.
Fetal akinesia, respiratory insufficiency, microcephaly, polymicrogyria, and dysmorphic facies. Identifiers: MedGen C5562015, MONDO:0859204, OMIM 619602.
Familial hemiplegic migraine. Identifiers: MedGen C0338484, MONDO:0000700.

Allele frequency attached by ClinVar (database versions not stated): TOPMed 0.00006.
gnomAD v4.1: 223 of 1,614,044 alleles (0.014%); highest among the groups gnomAD compares: South Asian, 0.12%; 2 homozygotes.

Submissions (8):

Labcorp Genetics (formerly Invitae), Labcorp
Classification: Benign for Familial hemiplegic migraine. Last evaluated: 2025-12-01. Review status: criteria provided, single submitter. Criteria: Invitae Variant Classification Sherloc (09022015). Collection method: clinical testing. Allele origin: germline.

Blueprint Genetics
Classification: Likely benign. Last evaluated: 2024-07-17. Review status: criteria provided, single submitter. Criteria: ACMG Guidelines, 2015. Collection method: clinical testing. Allele origin: germline.

Genome-Nilou Lab
Classification: Benign for Alternating hemiplegia of childhood 1. Last evaluated: 2021-12-05. Review status: criteria provided, single submitter. Criteria: ACMG Guidelines, 2015. Collection method: clinical testing. Allele origin: germline. Affected: no.

Genome-Nilou Lab
Classification: Benign for Developmental and epileptic encephalopathy 98. Last evaluated: 2021-12-05. Review status: criteria provided, single submitter. Criteria: ACMG Guidelines, 2015. Collection method: clinical testing. Allele origin: germline. Affected: no.

Genome-Nilou Lab
Classification: Benign for Fetal akinesia, respiratory insufficiency, microcephaly, polymicrogyria, and dysmorphic facies. Last evaluated: 2021-12-05. Review status: criteria provided, single submitter. Criteria: ACMG Guidelines, 2015. Collection method: clinical testing. Allele origin: germline. Affected: no.

Genome-Nilou Lab
Classification: Benign for Migraine, familial hemiplegic, 2. Last evaluated: 2021-12-05. Review status: criteria provided, single submitter. Criteria: ACMG Guidelines, 2015. Collection method: clinical testing. Allele origin: germline. Affected: no.

GeneDx
Classification: Likely benign. Last evaluated: 2017-06-01. Review status: criteria provided, single submitter. Criteria: GeneDx Variant Classification (06012015). Collection method: clinical testing. Allele origin: germline. Affected: yes.
Comment: This variant is considered likely benign or benign based on one or more of the following criteria: it is a conservative change, it occurs at a poorly conserved position in the protein, it is predicted to be benign by multiple in silico algorithms, and/or has population frequency not consistent with disease.

Ambry Genetics
Classification: Likely benign for Inborn genetic diseases. Last evaluated: 2016-02-22. Review status: criteria provided, single submitter. Criteria: Ambry Variant Classification Scheme 2023. Collection method: clinical testing. Allele origin: germline.